The following is an entry in ClinVar:

NM_001271.4(CHD2):c.3245C>T (p.Thr1082Ile)

Gene: CHD2 (chromodomain helicase DNA binding protein 2; plus strand). Cytogenetic location: 15q26.1.
Variant type: single nucleotide variant.
Coding change: c.3245C>T on transcript NM_001271.4 (MANE Select); coding-DNA position 3245, C replaced by T.
Protein change: p.Thr1082Ile; replaces threonine 1082 with isoleucine.
Molecular consequence: missense variant.
Genome position (GRCh38, 1-based): chr15:92,985,505, C>T. VCF-style: chr15-92985505-C-T. GRCh37 (hg19) VCF-style: chr15-93528735-C-T.
Other names: short protein forms T1082I.
Identifiers: ClinVar variation 4754995 (VCV004754995.1).
Genomic context (GRCh38, chr15:92,985,505, plus strand): 5'-ACCACTTGAACTTCGCACTTGTTACAGTGTGACTTTGCCTCGATCTTTCTCAGGCTCAGA[C>T]AAATGACAGTGACTCTGACACTGAGTCTAAGAGGCAGGCCCAGAGATCCTCTGCTTCTGA-3'
Protein context (NP_001262.3, residues 1072-1092): RIRSSTKKAQ[Thr1082Ile]NDSDSDTESK

ClinVar aggregate classification (germline): Uncertain significance (1 of 4 stars; one submission).

Conditions:
Developmental and epileptic encephalopathy 94 (DEE94). Also called: Epileptic encephalopathy, childhood-onset; CHD2-Related Neurodevelopmental Disorders. Identifiers: Orphanet 1942, Orphanet 2382, MedGen C3809278, MONDO:0014150, OMIM 615369.

gnomAD v4.1: 1 of 1,611,712 alleles (0.000062%); no homozygotes.

Submission:

Labcorp Genetics (formerly Invitae), Labcorp
Classification: Uncertain significance for Developmental and epileptic encephalopathy 94. Last evaluated: 2025-10-13. Review status: criteria provided, single submitter. Criteria: Invitae Variant Classification Sherloc (09022015). Collection method: clinical testing. Allele origin: germline.
Comment: This sequence change replaces threonine, which is neutral and polar, with isoleucine, which is neutral and non-polar, at codon 1082 of the CHD2 protein (p.Thr1082Ile). This variant is present in population databases (no rsID available, gnomAD 0.0009%). This variant has not been reported in the literature in individuals affected with CHD2-related conditions. Invitae Evidence Modeling of protein sequence and biophysical properties (such as structural, functional, and spatial information, amino acid conservation, physicochemical variation, residue mobility, and thermodynamic stability) indicates that this missense variant is not expected to disrupt CHD2 protein function with a negative predictive value of 95%. In summary, the available evidence is currently insufficient to determine the role of this variant in disease. Therefore, it has been classified as a Variant of Uncertain Significance.